The following is an entry in ClinVar:

NM_014049.5(ACAD9):c.1564A>G (p.Thr522Ala)

Genes: ACAD9 (acyl-CoA dehydrogenase family member 9; plus strand), CFAP92 (cilia and flagella associated protein 92 (putative); minus strand). Cytogenetic location: 3q21.3.
Variant type: single nucleotide variant.
Coding change: c.1564A>G on transcript NM_014049.5 (MANE Select); coding-DNA position 1564, A replaced by G.
Protein change: p.Thr522Ala; replaces threonine 522 with alanine.
Molecular consequence: missense variant. On other transcripts: non-coding transcript variant (1), 3 prime UTR variant (3).
Genome position (GRCh38, 1-based): chr3:128,910,021, A>G. VCF-style: chr3-128910021-A-G. GRCh37 (hg19) VCF-style: chr3-128628864-A-G.
Other names: c.1195A>G, p.Thr399Ala (NM_001410805.1); c.*278T>C (NM_001348520.2, NM_001348521.2, NM_001394090.1); short protein forms T399A, T522A.
Identifiers: ClinVar variation 3349655 (VCV003349655.1).

ClinVar aggregate classification (germline): Uncertain significance (0 of 4 stars; one submission).

Conditions:
ACAD9-related disorder. Also called: ACAD9-related condition.

Submission:

PreventionGenetics, part of Exact Sciences
Classification: Uncertain significance for ACAD9-related condition. Last evaluated: 2024-03-21. Review status: no assertion criteria provided. Collection method: clinical testing. Allele origin: germline.
Comment: The ACAD9 c.1564A>G variant is predicted to result in the amino acid substitution p.Thr522Ala. To our knowledge, this variant has not been reported in the literature or in a large population database, indicating this variant is rare. At this time, the clinical significance of this variant is uncertain due to the absence of conclusive functional and genetic evidence.